The following is an entry in ClinVar:

NM_004168.4(SDHA):c.1579C>T (p.Arg527Cys)

Gene: SDHA (succinate dehydrogenase complex flavoprotein subunit A; plus strand). Cytogenetic location: 5p15.33.
Variant type: single nucleotide variant.
Coding change: c.1579C>T on transcript NM_004168.4 (MANE Select); coding-DNA position 1579, C replaced by T.
Protein change: p.Arg527Cys; replaces arginine 527 with cysteine.
Molecular consequence: missense variant. On other transcripts: intron variant (1).
Genome position (GRCh38, 1-based): chr5:251,019, C>T. VCF-style: chr5-251019-C-T. GRCh37 (hg19) VCF-style: chr5-251134-C-T.
Other names: c.1435C>T, p.Arg479Cys (NM_001294332.2); c.1552-3374C>T (NM_001330758.2); short protein forms R527C, R479C.
Identifiers: ClinVar variation 412340 (VCV000412340.19), dbSNP rs138723511, ClinGen allele CA3173300.

ClinVar aggregate classification (germline): Uncertain significance. Review status: criteria provided, multiple submitters, no conflicts (2 of 4 stars). 4 submissions from 4 submitters: Uncertain significance (4). Last evaluated 2026-01-26.

Conditions:
Mitochondrial complex II deficiency, nuclear type 1. Also called: SUCCINATE CoQ REDUCTASE DEFICIENCY. Identifiers: Orphanet 3208, MedGen C5700310, MONDO:0100294, OMIM 252011.
Pheochromocytoma/paraganglioma syndrome 5. Also called: SDHA-Related Hereditary Paraganglioma-Pheochromocytoma Syndrome; Paragangliomas 5. Identifiers: Orphanet 29072, MedGen C3279992, MONDO:0013602, OMIM 614165.
Hereditary cancer-predisposing syndrome. Also called: Neoplastic Syndromes, Hereditary; Hereditary Cancer Syndrome; Tumor predisposition; Hereditary neoplastic syndrome. Identifiers: Orphanet 140162, MedGen C0027672, MeSH D009386, MONDO:0015356.
Dilated cardiomyopathy 1GG (CMD1GG). Identifiers: Orphanet 154, MedGen C3150898, MONDO:0013339, OMIM 613642.

Allele frequency attached by ClinVar (database versions not stated): gnomAD 0.00001; ExAC 0.00002; gnomAD exomes 0.00002; ESP Exome Variant Server 0.00008.
gnomAD v4.1: 29 of 1,611,792 alleles (0.0018%); highest among the groups gnomAD compares: East Asian, 0.0045%; no homozygotes.

Submissions (4):

Ambry Genetics
Classification: Uncertain significance for Hereditary cancer-predisposing syndrome. Last evaluated: 2026-01-26. Review status: criteria provided, single submitter. Criteria: Ambry Variant Classification Scheme 2023. Collection method: clinical testing. Allele origin: germline.
Comment: The p.R527C variant (also known as c.1579C>T), located in coding exon 12 of the SDHA gene, results from a C to T substitution at nucleotide position 1579. The arginine at codon 527 is replaced by cysteine, an amino acid with highly dissimilar properties. This amino acid position is highly conserved in available vertebrate species. In addition, this alteration is predicted to be deleterious by in silico analysis. Based on the available evidence, the clinical significance of this variant remains unclear.

Labcorp Genetics (formerly Invitae), Labcorp
Classification: Uncertain significance for Pheochromocytoma/paraganglioma syndrome 5; Mitochondrial complex II deficiency, nuclear type 1. Last evaluated: 2026-01-25. Review status: criteria provided, single submitter. Criteria: Invitae Variant Classification Sherloc (09022015). Collection method: clinical testing. Allele origin: germline.
Comment: This sequence change replaces arginine, which is basic and polar, with cysteine, which is neutral and slightly polar, at codon 527 of the SDHA protein (p.Arg527Cys). This variant is present in population databases (rs138723511, gnomAD 0.006%). This variant has not been reported in the literature in individuals affected with SDHA-related conditions. ClinVar contains an entry for this variant (Variation ID: 412340). Invitae Evidence Modeling of protein sequence and biophysical properties (such as structural, functional, and spatial information, amino acid conservation, physicochemical variation, residue mobility, and thermodynamic stability) indicates that this missense variant is expected to disrupt SDHA protein function with a positive predictive value of 95%. In summary, the available evidence is currently insufficient to determine the role of this variant in disease. Therefore, it has been classified as a Variant of Uncertain Significance.

Baylor Genetics
Classification: Uncertain significance for Dilated cardiomyopathy 1GG. Last evaluated: 2024-03-19. Review status: criteria provided, single submitter. Criteria: ACMG Guidelines, 2015. Collection method: clinical testing. Allele origin: unknown.

GeneDx
Classification: Uncertain significance. Last evaluated: 2019-08-27. Review status: criteria provided, single submitter. Criteria: GeneDx Variant Classification Process June 2021. Collection method: clinical testing. Allele origin: germline. Affected: yes.
Comment: Not observed at a significant frequency in large population cohorts (Lek 2016); In silico analysis, which includes protein predictors and evolutionary conservation, supports a deleterious effect; Has not been previously published as pathogenic or benign to our knowledge